The following is an entry in ClinVar:

NM_001077350.3(NPRL3):c.78C>G (p.Tyr26Ter)

Genes: HBA-LCR (alpha-globin locus control region; plus strand), NPRL3 (NPR3 like, GATOR1 complex subunit; minus strand). Cytogenetic location: 16p13.3.
Variant type: single nucleotide variant.
Coding change: c.78C>G on transcript NM_001077350.3 (MANE Select); coding-DNA position 78, C replaced by G.
Protein change: p.Tyr26Ter; replaces tyrosine 26 with a stop codon.
Molecular consequence: nonsense. On other transcripts: 5 prime UTR variant (2).
Genome position (GRCh38, 1-based): chr16:138,190, G>C on the plus strand (C>G on the coding strand, the complement: NPRL3 is on the minus strand). VCF-style: chr16-138190-G-C. GRCh37 (hg19) VCF-style: chr16-188189-G-C.
Other names: c.-255C>G (NM_001039476.3); c.-294C>G (NM_001243247.2); c.78C>G, p.Tyr26Ter (NM_001243248.2, NM_001243249.2); short protein forms Y26*.
Identifiers: ClinVar variation 3770202 (VCV003770202.2).
Genomic context (GRCh38, chr16:138,190, plus strand): 5'-CCCGCCCAGCGCTCACTTACTTGTCTGGGACGCCGGGTGCTCCTGGCTTCTCTGGAAGGG[G>C]TACCTGAACAGCAGCTTATTGCCCCTGCTCCCCGAGCTCACCAGAATCACGCTGATGGGG-3'

ClinVar aggregate classification (germline): Pathogenic. Review status: criteria provided, multiple submitters, no conflicts (2 of 4 stars). 2 submissions from 2 submitters: Pathogenic (2). Last evaluated 2025-07-30.

Conditions:
Epilepsy, familial focal, with variable foci 3 (FFEVF3). Identifiers: MedGen C4310708, MONDO:0014925, OMIM 617118.

Submissions (2):

Labcorp Genetics (formerly Invitae), Labcorp
Classification: Pathogenic for Epilepsy, familial focal, with variable foci 3. Last evaluated: 2025-07-30. Review status: criteria provided, single submitter. Criteria: Invitae Variant Classification Sherloc (09022015). Collection method: clinical testing. Allele origin: germline.
Comment: This sequence change creates a premature translational stop signal (p.Tyr26*) in the NPRL3 gene. It is expected to result in an absent or disrupted protein product. Loss-of-function variants in NPRL3 are known to be pathogenic (PMID: 26285051, 26505888). This variant is not present in population databases (gnomAD no frequency). This premature translational stop signal has been observed in individual(s) with clinical features of NPRL3-related conditions (PMID: 36937533). ClinVar contains an entry for this variant (Variation ID: 3770202). For these reasons, this variant has been classified as Pathogenic.

Department of Neurology, Zibo Changguo Hospital
Classification: Pathogenic for Epilepsy, familial focal, with variable foci 3. Last evaluated: 2025-01-08. Review status: criteria provided, single submitter. Criteria: ACMG Guidelines, 2015. Collection method: clinical testing. Allele origin: paternal. Inheritance: Autosomal dominant inheritance. Affected: yes.
Comment: This sequence change creates a premature translational stop signal (p.Tyr26*) in the NPRL3 gene. It is expected to result in an absent or disrupted protein product. Loss-of-function variants in NPRL3 are known to be pathogenic (PMID: 26285051, 26505888). This variant is not present in gnomAD. This variant has not been reported in the literature in individuals affected with NPRL3-related conditions. In summary, this variant meets criteria to be classified as pathogenic based on the ACMG criteria applied: PVS1, PM2_sup, PP4.

Literature cited by the submitters: PubMed 26285051 (cited by Labcorp Genetics (formerly Invitae), Labcorp); PubMed 26505888 (cited by Labcorp Genetics (formerly Invitae), Labcorp); PubMed 36937533 (cited by Labcorp Genetics (formerly Invitae), Labcorp).